The following is an entry in ClinVar:

NM_004064.5(CDKN1B):c.*173T>C

Gene: CDKN1B (cyclin dependent kinase inhibitor 1B; plus strand). Cytogenetic location: 12p13.1.
Variant type: single nucleotide variant.
Coding change: c.*173T>C on transcript NM_004064.5 (MANE Select); 173 bases downstream of the stop codon, T replaced by C.
Molecular consequence: 3 prime UTR variant.
Genome position (GRCh38, 1-based): chr12:12,721,200, T>C. VCF-style: chr12-12721200-T-C. GRCh37 (hg19) VCF-style: chr12-12874134-T-C.
Identifiers: ClinVar variation 307674 (VCV000307674.5), dbSNP rs762188974, ClinGen allele CA6457628.

ClinVar aggregate classification (germline): Benign (1 of 4 stars; one submission).

Conditions:
Multiple endocrine neoplasia type 4. Also called: MULTIPLE ENDOCRINE NEOPLASIA, TYPE IV. Identifiers: Orphanet 276152, MedGen C1970712, MONDO:0012552, OMIM 610755.

Allele frequency attached by ClinVar (database versions not stated): gnomAD 0.00003 and 0.00004; TOPMed 0.00005; gnomAD exomes 0.00007 and 0.00010; ExAC 0.00011.
gnomAD v4.1: 66 of 762,974 alleles (0.0087%); highest among the groups gnomAD compares: Middle Eastern, 0.11%; 1 homozygote.

Submission:

Illumina Laboratory Services, Illumina
Classification: Benign for Multiple endocrine neoplasia type 4. Last evaluated: 2018-01-13. Review status: criteria provided, single submitter. Criteria: ICSL Variant Classification Criteria 13 December 2019. Collection method: clinical testing. Allele origin: germline.
Comment: This variant was observed in the ICSL laboratory as part of a predisposition screen in an ostensibly healthy population. It had not been previously curated by ICSL or reported in the Human Gene Mutation Database (HGMD: prior to June 1st, 2018), and was therefore a candidate for classification through an automated scoring system. Utilizing variant allele frequency, disease prevalence and penetrance estimates, and inheritance mode, an automated score was calculated to assess if this variant is too frequent to cause the disease. Based on the score and internal cut-off values, a variant classified as benign is not then subjected to further curation. The score for this variant resulted in a classification of benign for this disease.